The following is an entry in ClinVar:

NM_001379500.1(COL18A1):c.2147C>T (p.Ser716Leu)

Gene: COL18A1 (collagen type XVIII alpha 1 chain; plus strand). Cytogenetic location: 21q22.3.
Variant type: single nucleotide variant.
Coding change: c.2147C>T on transcript NM_001379500.1 (MANE Select); coding-DNA position 2147, C replaced by T.
Protein change: p.Ser716Leu; replaces serine 716 with leucine.
Molecular consequence: missense variant.
Genome position (GRCh38, 1-based): chr21:45,491,304, C>T. VCF-style: chr21-45491304-C-T. GRCh37 (hg19) VCF-style: chr21-46911218-C-T.
Other names: NM_130445.2:c.2147C>T; c.2687C>T, p.Ser896Leu (NM_030582.4); c.3392C>T, p.Ser1131Leu (NM_130444.3); short protein forms S896L, S1131L, S716L.
Identifiers: ClinVar variation 1437223 (VCV001437223.6), dbSNP rs764619601, ClinGen allele CA10066827.

ClinVar aggregate classification (germline): Uncertain significance. Review status: criteria provided, multiple submitters, no conflicts (2 of 4 stars). 2 submissions from 2 submitters: Uncertain significance (2). Last evaluated 2025-11-24.

Conditions:
Inborn genetic diseases. Identifiers: MedGen C0950123, MeSH D030342.

Allele frequency attached by ClinVar (database versions not stated): TOPMed 0.00002.
gnomAD v4.1: 13 of 1,611,414 alleles (0.00081%); highest among the groups gnomAD compares: Middle Eastern, 0.017%; no homozygotes.

Submissions (2):

Ambry Genetics
Classification: Uncertain significance for Inborn genetic diseases. Last evaluated: 2025-11-24. Review status: criteria provided, single submitter. Criteria: Ambry Variant Classification Scheme 2023. Collection method: clinical testing. Allele origin: germline.

Labcorp Genetics (formerly Invitae), Labcorp
Classification: Uncertain significance. Last evaluated: 2022-10-13. Review status: criteria provided, single submitter. Criteria: Invitae Variant Classification Sherloc (09022015). Collection method: clinical testing. Allele origin: germline.
Comment: This sequence change replaces serine with leucine at codon 716 of the COL18A1 protein (p.Ser716Leu). There is a large physicochemical difference between serine and leucine. This variant is present in population databases (rs764619601, gnomAD no frequency). This variant has not been reported in the literature in individuals affected with COL18A1-related conditions. ClinVar contains an entry for this variant (Variation ID: 1437223). Experimental studies and prediction algorithms are not available or were not evaluated, and the functional significance of this variant is currently unknown. In summary, the available evidence is currently insufficient to determine the role of this variant in disease. Therefore, it has been classified as a Variant of Uncertain Significance.